The following is an entry in ClinVar:

ClinVar aggregate classification (germline): Uncertain significance (1 of 4 stars; one submission).

Allele frequency attached by ClinVar (database versions not stated): gnomAD exomes below 0.00001.
gnomAD v4.1: 1 of 1,612,830 alleles (0.000062%); highest among the groups gnomAD compares: Non-Finnish European, 0.000085%; no homozygotes.

Submission:

Labcorp Genetics (formerly Invitae), Labcorp
Classification: Uncertain significance. Last evaluated: 2022-06-20. Review status: criteria provided, single submitter. Criteria: Invitae Variant Classification Sherloc (09022015). Collection method: clinical testing. Allele origin: germline.
Comment: This sequence change replaces isoleucine, which is neutral and non-polar, with threonine, which is neutral and polar, at codon 621 of the OCA2 protein (p.Ile621Thr). This variant is not present in population databases (gnomAD no frequency). This variant has not been reported in the literature in individuals affected with OCA2-related conditions. Advanced modeling of protein sequence and biophysical properties (such as structural, functional, and spatial information, amino acid conservation, physicochemical variation, residue mobility, and thermodynamic stability) performed at Invitae indicates that this missense variant is not expected to disrupt OCA2 protein function. In summary, the available evidence is currently insufficient to determine the role of this variant in disease. Therefore, it has been classified as a Variant of Uncertain Significance.

NM_000275.3(OCA2):c.1862T>C (p.Ile621Thr)

Gene: OCA2 (OCA2 melanosomal transmembrane protein; minus strand). Cytogenetic location: 15q13.1.
Variant type: single nucleotide variant.
Coding change: c.1862T>C on transcript NM_000275.3 (MANE Select); coding-DNA position 1862, T replaced by C.
Protein change: p.Ile621Thr; replaces isoleucine 621 with threonine.
Molecular consequence: missense variant.
Genome position (GRCh38, 1-based): chr15:27,951,873, A>G on the plus strand (T>C on the coding strand, the complement: OCA2 is on the minus strand). VCF-style: chr15-27951873-A-G. GRCh37 (hg19) VCF-style: chr15-28197019-A-G.
Other names: c.1790T>C, p.Ile597Thr (NM_001300984.2); short protein forms I621T, I597T.
Identifiers: ClinVar variation 1514524 (VCV001514524.5), dbSNP rs2140619427, ClinGen allele CA391364547.